The following is an entry in ClinVar:

NM_000548.5(TSC2):c.1140C>G (p.Leu380=)

Gene: TSC2 (TSC complex subunit 2; plus strand). Cytogenetic location: 16p13.3.
Variant type: single nucleotide variant.
Coding change: c.1140C>G on transcript NM_000548.5 (MANE Select); coding-DNA position 1140, C replaced by G.
Protein change: p.Leu380=; no amino-acid change (leucine 380 retained).
Molecular consequence: synonymous variant. On other transcripts: 5 prime UTR variant (10), non-coding transcript variant (5).
Genome position (GRCh38, 1-based): chr16:2,061,891, C>G. VCF-style: chr16-2061891-C-G. GRCh37 (hg19) VCF-style: chr16-2111892-C-G.
Other names: c.1140C>G, p.Leu380= (NM_001077183.3, NM_001114382.3, NM_001363528.2 and 6 more transcripts); c.1029C>G, p.Leu343= (NM_001318827.2, NM_001406670.1, NM_001406678.1); c.993C>G, p.Leu331= (NM_001318829.2, NM_001406675.1, NM_001406676.1 and 1 more transcripts); c.540C>G, p.Leu180= (NM_001318831.2, NM_001406680.1, NM_001406682.1 and 6 more transcripts); c.1173C>G, p.Leu391= (NM_001318832.2); c.1230C>G, p.Leu410= (NM_001406667.1, NM_001406668.1); c.1128C>G, p.Leu376= (NM_001406671.1, NM_001406673.1); c.1083C>G, p.Leu361= (NM_001406677.1); and 4 more.
Identifiers: ClinVar variation 3341752 (VCV003341752.17).
Genomic context (GRCh38, chr16:2,061,891, plus strand): 5'-GAGTGGAAGTCAGCCTGTGTCATCGTGCCTGGTACTGCAGACCTTGGACAGCCCGGAGCT[C>G]AGGACCATCGTCCATGACCTGTTGACCACGGTGGAGGAGCTGTGTGACCAGAACGAGTTC-3'
Protein context (NP_000539.2, residues 370-390): QQLQTLDSPE[Leu380=]RTIVHDLLTT

ClinVar aggregate classification (germline): Likely benign. Review status: criteria provided, multiple submitters, no conflicts (2 of 4 stars). 2 submissions from 2 submitters: Likely benign (2). Last evaluated 2025-03-24.

Conditions:
Tuberous sclerosis 2 (TSC2). Identifiers: Orphanet 805, MedGen C1860707, MONDO:0013199, OMIM 613254.

Submissions (2):

Labcorp Genetics (formerly Invitae), Labcorp
Classification: Likely benign for Tuberous sclerosis 2. Last evaluated: 2025-03-24. Review status: criteria provided, single submitter. Criteria: Invitae Variant Classification Sherloc (09022015). Collection method: clinical testing. Allele origin: germline.

CeGaT Center for Human Genetics Tuebingen
Classification: Likely benign. Last evaluated: 2024-08-01. Review status: criteria provided, single submitter. Criteria: CeGaT Center For Human Genetics Tuebingen Variant Classification Criteria Version 2. Collection method: clinical testing. Allele origin: germline. Affected: yes. Observed: 1 variant allele.
Comment: TSC2: PM2:Supporting, BP4, BP7